The following is an entry in ClinVar:

NM_001146079.2(CLDN14):c.102G>A (p.Ala34=)

Genes: CLDN14 (claudin 14; minus strand), CLDN14-AS1 (CLDN14 antisense RNA 1; plus strand). Cytogenetic location: 21q22.13.
Variant type: single nucleotide variant.
Coding change: c.102G>A on transcript NM_001146079.2 (MANE Select); coding-DNA position 102, G replaced by A.
Protein change: p.Ala34=; no amino-acid change (alanine 34 retained).
Molecular consequence: synonymous variant.
Genome position (GRCh38, 1-based): chr21:36,461,594, C>T on the plus strand (G>A on the coding strand, the complement: CLDN14 is on the minus strand). VCF-style: chr21-36461594-C-T. GRCh37 (hg19) VCF-style: chr21-37833892-C-T.
Other names: c.102G>A, p.Ala34= (NM_001146077.2, NM_001146078.3, NM_012130.4 and 1 more transcripts).
Identifiers: ClinVar variation 504558 (VCV000504558.39), dbSNP rs146395322, ClinGen allele CA10019343.

ClinVar aggregate classification (germline): Likely benign. Review status: criteria provided, multiple submitters, no conflicts (2 of 4 stars). 5 submissions from 5 submitters: Likely benign (5). Last evaluated 2025-09-02.

Allele frequency attached by ClinVar (database versions not stated): ESP Exome Variant Server 0.00023; gnomAD exomes 0.00031; ExAC 0.00035; TOPMed 0.00035; gnomAD 0.00045; 1000 Genomes Project 0.00060; 1000 Genomes Project 30x 0.00078.
gnomAD v4.1: 500 of 1,609,096 alleles (0.031%); highest among the groups gnomAD compares: Admixed American, 0.076%; 1 homozygote.

Submissions (5):

Labcorp Genetics (formerly Invitae), Labcorp
Classification: Likely benign. Last evaluated: 2025-09-02. Review status: criteria provided, single submitter. Criteria: Invitae Variant Classification Sherloc (09022015). Collection method: clinical testing. Allele origin: germline.

Blueprint Genetics
Classification: Likely benign. Last evaluated: 2024-08-09. Review status: criteria provided, single submitter. Criteria: ACMG Guidelines, 2015. Collection method: clinical testing. Allele origin: germline.

CeGaT Center for Human Genetics Tuebingen
Classification: Likely benign. Last evaluated: 2023-04-01. Review status: criteria provided, single submitter. Criteria: CeGaT Center For Human Genetics Tuebingen Variant Classification Criteria Version 2. Collection method: clinical testing. Allele origin: germline. Affected: yes. Observed: 1 variant allele.
Comment: CLDN14: BP4, BP7

Athena Diagnostics
Classification: Likely benign. Last evaluated: 2018-09-12. Review status: criteria provided, single submitter. Criteria: Athena Diagnostics Criteria. Collection method: clinical testing. Allele origin: germline.

Laboratory for Molecular Medicine, Mass General Brigham Personalized Medicine
Classification: Likely benign. Last evaluated: 2016-09-22. Review status: criteria provided, single submitter. Criteria: LMM Criteria. Collection method: clinical testing. Allele origin: germline. Observed: 2 variant alleles.
Comment: p.Ala34Ala in exon 3 of CLDN14: This variant is not expected to have clinical si gnificance because it does not alter an amino acid residue, is not located withi n the splice consensus sequence, and has been identified in 27/77276 of the tota l chromosomes in the Exome Aggregation Consortium (ExAC; dbSNP rs146395322).